The following is an entry in ClinVar:

NM_002047.4(GARS1):c.40G>A (p.Ala14Thr)

Gene: GARS1 (glycyl-tRNA synthetase 1; plus strand). Cytogenetic location: 7p14.3.
Variant type: single nucleotide variant.
Coding change: c.40G>A on transcript NM_002047.4 (MANE Select); coding-DNA position 40, G replaced by A.
Protein change: p.Ala14Thr; replaces alanine 14 with threonine.
Molecular consequence: missense variant. On other transcripts: 5 prime UTR variant (1).
Genome position (GRCh38, 1-based): chr7:30,594,961, G>A. VCF-style: chr7-30594961-G-A. GRCh37 (hg19) VCF-style: chr7-30634577-G-A.
Other names: c.-123G>A (NM_001316772.1); short protein forms A14T.
Identifiers: ClinVar variation 4696740 (VCV004696740.1).
Genomic context (GRCh38, chr7:30,594,961, plus strand): 5'-ACAGCCCAGGGCCGCAGGCTCATGCCCTCTCCGCGTCCAGTGCTGCTTAGAGGTGCTCGC[G>A]CCGCTCTGCTGCTGCTGCTGCCGCCCCGGCTCTTAGCCCGACCCTCGCTCCTGCTCCGCC-3'
Protein context (NP_002038.2, residues 4-24): PRPVLLRGAR[Ala14Thr]ALLLLLPPRL

ClinVar aggregate classification (germline): Uncertain significance (1 of 4 stars; one submission).

Conditions:
Charcot-Marie-Tooth disease type 2. Also called: Charcot-Marie-Tooth type 2. Identifiers: Orphanet 64746, MedGen C0270914, MONDO:0018993.

gnomAD v4.1: 3 of 1,595,724 alleles (0.00019%); highest among the groups gnomAD compares: Admixed American, 0.0017%; no homozygotes.

Submission:

Labcorp Genetics (formerly Invitae), Labcorp
Classification: Uncertain significance for Charcot-Marie-Tooth disease type 2. Last evaluated: 2026-02-03. Review status: criteria provided, single submitter. Criteria: Invitae Variant Classification Sherloc (09022015). Collection method: clinical testing. Allele origin: germline.
Comment: This sequence change replaces alanine, which is neutral and non-polar, with threonine, which is neutral and polar, at codon 14 of the GARS protein (p.Ala14Thr). This variant is present in population databases (no rsID available, gnomAD 0.007%). This variant has not been reported in the literature in individuals affected with GARS-related conditions. Invitae Evidence Modeling of protein sequence and biophysical properties (such as structural, functional, and spatial information, amino acid conservation, physicochemical variation, residue mobility, and thermodynamic stability) indicates that this missense variant is not expected to disrupt GARS protein function with a negative predictive value of 95%. In summary, the available evidence is currently insufficient to determine the role of this variant in disease. Therefore, it has been classified as a Variant of Uncertain Significance.